The following is an entry in ClinVar:

ClinVar aggregate classification (germline): Likely pathogenic (1 of 4 stars; one submission).

Conditions:
Alsahan-Harris syndrome. Identifiers: MedGen C6065900, MONDO:0979871, OMIM 621307.
Retinitis pigmentosa 100. Identifiers: MedGen C6012755, MONDO:0979574, OMIM 621280.
Orofaciodigital syndrome IX. Also called: OFDS IX; ORAL-FACIAL-DIGITAL SYNDROME WITH RETINAL ABNORMALITIES; ORAL-FACIAL-DIGITAL SYNDROME, TYPE IX; OROFACIODIGITAL SYNDROME WITH RETINAL ABNORMALITIES. Identifiers: Orphanet 141007, MedGen C0796102, MONDO:0009795, OMIM 258865.

gnomAD v4.1: 2 of 1,589,626 alleles (0.00013%); highest among the groups gnomAD compares: Non-Finnish European, 0.00017%; no homozygotes.

Submission:

Juno Genomics, Hangzhou Juno Genomics, Inc
Classification: Likely pathogenic for Orofaciodigital syndrome IX; Alsahan-Harris syndrome; Retinitis pigmentosa 100. Review status: criteria provided, single submitter. Criteria: ACMG Guidelines, 2015. Collection method: clinical testing. Allele origin: germline.
Comment: Absent from controls (or at extremely low frequency if recessive) in Genome Aggregation Database.;Null variant in a gene where loss of function (LOF) is a known mechanism of disease.

NM_152730.6(TBC1D32):c.1733+2T>C

Gene: TBC1D32 (TBC1 domain family member 32; minus strand). Cytogenetic location: 6q22.31.
Variant type: single nucleotide variant.
Coding change: c.1733+2T>C on transcript NM_152730.6 (MANE Select); the canonical splice donor site of the intron after coding-DNA position 1733, T replaced by C.
Molecular consequence: splice donor variant.
Genome position (GRCh38, 1-based): chr6:121,279,119, A>G on the plus strand (T>C on the coding strand, the complement: TBC1D32 is on the minus strand). VCF-style: chr6-121279119-A-G. GRCh37 (hg19) VCF-style: chr6-121600265-A-G.
Other names: c.1733+2T>C (NM_001367759.1, NM_001367760.1).
Identifiers: ClinVar variation 5007682 (VCV005007682.2).